The following is an entry in ClinVar:

ClinVar aggregate classification (germline): Uncertain significance (1 of 4 stars; one submission).

Conditions:
Developmental and epileptic encephalopathy, 30 (DEE30). Also called: Epileptic encephalopathy, early infantile, 30. Identifiers: MedGen C4225360, MONDO:0014595, OMIM 616341.

Allele frequency attached by ClinVar (database versions not stated): TOPMed 0.00001; ExAC 0.00002; gnomAD 0.00005; gnomAD exomes 0.00006; 1000 Genomes Project 0.00020; 1000 Genomes Project 30x 0.00031.

Submission:

Labcorp Genetics (formerly Invitae), Labcorp
Classification: Uncertain significance for Developmental and epileptic encephalopathy, 30. Last evaluated: 2025-03-07. Review status: criteria provided, single submitter. Criteria: Invitae Variant Classification Sherloc (09022015). Collection method: clinical testing. Allele origin: germline.
Comment: This sequence change replaces glycine, which is neutral and non-polar, with serine, which is neutral and polar, at codon 624 of the SIK1 protein (p.Gly624Ser). This variant is present in population databases (rs544350928, gnomAD 0.008%). This variant has not been reported in the literature in individuals affected with SIK1-related conditions. ClinVar contains an entry for this variant (Variation ID: 643532). Invitae Evidence Modeling of protein sequence and biophysical properties (such as structural, functional, and spatial information, amino acid conservation, physicochemical variation, residue mobility, and thermodynamic stability) indicates that this missense variant is not expected to disrupt SIK1 protein function with a negative predictive value of 95%. In summary, the available evidence is currently insufficient to determine the role of this variant in disease. Therefore, it has been classified as a Variant of Uncertain Significance.

NM_173354.5(SIK1):c.1870G>A (p.Gly624Ser)

Gene: SIK1 (salt inducible kinase 1; minus strand). Cytogenetic location: 21q22.3.
Variant type: single nucleotide variant.
Coding change: c.1870G>A on transcript NM_173354.5 (MANE Select); coding-DNA position 1870, G replaced by A.
Protein change: p.Gly624Ser; replaces glycine 624 with serine.
Molecular consequence: missense variant.
Genome position (GRCh38, 1-based): chr21:43,417,649, C>T on the plus strand (G>A on the coding strand, the complement: SIK1 is on the minus strand). VCF-style: chr21-43417649-C-T. GRCh37 (hg19) VCF-style: chr21-44837529-C-T.
Other names: short protein forms G624S.
Identifiers: ClinVar variation 643532 (VCV000643532.11), dbSNP rs544350928, ClinGen allele CA321324899.